The following is an entry in ClinVar:

NM_031407.7(HUWE1):c.535C>G (p.Leu179Val)

Gene: HUWE1 (HECT, UBA and WWE domain containing E3 ubiquitin protein ligase 1; minus strand). Cytogenetic location: Xp11.22.
Variant type: single nucleotide variant.
Coding change: c.535C>G on transcript NM_031407.7 (MANE Select); coding-DNA position 535, C replaced by G.
Protein change: p.Leu179Val; replaces leucine 179 with valine.
Molecular consequence: missense variant.
Genome position (GRCh38, 1-based): chrX:53,634,268, G>C on the plus strand (C>G on the coding strand, the complement: HUWE1 is on the minus strand). VCF-style: chrX-53634268-G-C. GRCh37 (hg19) VCF-style: chrX-53661220-G-C.
Other names: short protein forms L179V.
Identifiers: ClinVar variation 2747876 (VCV002747876.3), dbSNP rs2528280828, ClinGen allele CA413162011.

ClinVar aggregate classification (germline): Uncertain significance (1 of 4 stars; one submission).

Submission:

Labcorp Genetics (formerly Invitae), Labcorp
Classification: Uncertain significance. Last evaluated: 2023-07-28. Review status: criteria provided, single submitter. Criteria: Invitae Variant Classification Sherloc (09022015). Collection method: clinical testing. Allele origin: germline.
Comment: In summary, the available evidence is currently insufficient to determine the role of this variant in disease. Therefore, it has been classified as a Variant of Uncertain Significance. Advanced modeling of protein sequence and biophysical properties (such as structural, functional, and spatial information, amino acid conservation, physicochemical variation, residue mobility, and thermodynamic stability) performed at Invitae indicates that this missense variant is expected to disrupt HUWE1 protein function. This variant has not been reported in the literature in individuals affected with HUWE1-related conditions. This variant is not present in population databases (gnomAD no frequency). This sequence change replaces leucine, which is neutral and non-polar, with valine, which is neutral and non-polar, at codon 179 of the HUWE1 protein (p.Leu179Val).